The following is an entry in ClinVar:

NM_006231.4(POLE):c.2984A>G (p.Lys995Arg)

Gene: POLE (DNA polymerase epsilon, catalytic subunit; minus strand). Cytogenetic location: 12q24.33.
Variant type: single nucleotide variant.
Coding change: c.2984A>G on transcript NM_006231.4 (MANE Select); coding-DNA position 2984, A replaced by G.
Protein change: p.Lys995Arg; replaces lysine 995 with arginine.
Molecular consequence: missense variant.
Genome position (GRCh38, 1-based): chr12:132,661,045, T>C on the plus strand (A>G on the coding strand, the complement: POLE is on the minus strand). VCF-style: chr12-132661045-T-C. GRCh37 (hg19) VCF-style: chr12-133237631-T-C.
Other names: short protein forms K995R.
Identifiers: ClinVar variation 2115781 (VCV002115781.4), dbSNP rs2042667571, ClinGen allele CA387392388.

ClinVar aggregate classification (germline): Uncertain significance (1 of 4 stars; one submission).

Allele frequency attached by ClinVar (database versions not stated): TOPMed below 0.00001.

Submission:

Labcorp Genetics (formerly Invitae), Labcorp
Classification: Uncertain significance. Last evaluated: 2022-09-07. Review status: criteria provided, single submitter. Criteria: Invitae Variant Classification Sherloc (09022015). Collection method: clinical testing. Allele origin: germline.
Comment: Algorithms developed to predict the effect of missense changes on protein structure and function output the following: SIFT: "Tolerated"; PolyPhen-2: "Benign"; Align-GVGD: "Class C0". The arginine amino acid residue is found in multiple mammalian species, which suggests that this missense change does not adversely affect protein function. In summary, the available evidence is currently insufficient to determine the role of this variant in disease. Therefore, it has been classified as a Variant of Uncertain Significance. This variant has not been reported in the literature in individuals affected with POLE-related conditions. This variant is not present in population databases (gnomAD no frequency). This sequence change replaces lysine, which is basic and polar, with arginine, which is basic and polar, at codon 995 of the POLE protein (p.Lys995Arg).